The following is an entry in ClinVar:

ClinVar aggregate classification (germline): Uncertain significance (1 of 4 stars; one submission).

Conditions:
Primary ciliary dyskinesia 28. Also called: CILIARY DYSKINESIA, PRIMARY, 28, WITH OR WITHOUT SITUS INVERSUS. Identifiers: Orphanet 244, MedGen C3809706, MONDO:0014216, OMIM 615505.

Allele frequency attached by ClinVar (database versions not stated): gnomAD exomes 0.00001; gnomAD 0.00002; TOPMed 0.00002; 1000 Genomes Project 0.00040; 1000 Genomes Project 30x 0.00047; ExAC 0.00088.
gnomAD v4.1: 18 of 1,275,752 alleles (0.0014%); highest among the groups gnomAD compares: South Asian, 0.027%; no homozygotes.

Submission:

Labcorp Genetics (formerly Invitae), Labcorp
Classification: Uncertain significance for Primary ciliary dyskinesia 28. Last evaluated: 2022-12-30. Review status: criteria provided, single submitter. Criteria: Invitae Variant Classification Sherloc (09022015). Collection method: clinical testing. Allele origin: germline.
Comment: This sequence change replaces asparagine, which is neutral and polar, with lysine, which is basic and polar, at codon 444 of the SPAG1 protein (p.Asn444Lys). In summary, the available evidence is currently insufficient to determine the role of this variant in disease. Therefore, it has been classified as a Variant of Uncertain Significance. Advanced modeling of protein sequence and biophysical properties (such as structural, functional, and spatial information, amino acid conservation, physicochemical variation, residue mobility, and thermodynamic stability) performed at Invitae indicates that this missense variant is not expected to disrupt SPAG1 protein function. This variant has not been reported in the literature in individuals affected with SPAG1-related conditions. The frequency data for this variant in the population databases is considered unreliable, as metrics indicate poor data quality at this position in the gnomAD database.

NM_003114.5(SPAG1):c.1332C>A (p.Asn444Lys)

Genes: SPAG1 (sperm associated antigen 1; plus strand), LOC130000832 (ATAC-STARR-seq lymphoblastoid silent region 19412; plus strand). Cytogenetic location: 8q22.2.
Variant type: single nucleotide variant.
Coding change: c.1332C>A on transcript NM_003114.5 (MANE Select); coding-DNA position 1332, C replaced by A.
Protein change: p.Asn444Lys; replaces asparagine 444 with lysine.
Molecular consequence: missense variant.
Genome position (GRCh38, 1-based): chr8:100,213,325, C>A. VCF-style: chr8-100213325-C-A. GRCh37 (hg19) VCF-style: chr8-101225553-C-A.
Other names: c.1332C>A, p.Asn444Lys (NM_001374321.1, NM_172218.3); short protein forms N444K.
Identifiers: ClinVar variation 2909646 (VCV002909646.3), dbSNP rs564204622, ClinGen allele CA4827477.